The following is an entry in ClinVar:

NM_000277.3(PAH):c.769G>A (p.Gly257Ser)

Gene: PAH (phenylalanine hydroxylase; minus strand). Cytogenetic location: 12q23.2.
Variant type: single nucleotide variant.
Coding change: c.769G>A on transcript NM_000277.3 (MANE Select); coding-DNA position 769, G replaced by A.
Protein change: p.Gly257Ser; replaces glycine 257 with serine.
Molecular consequence: missense variant.
Genome position (GRCh38, 1-based): chr12:102,852,888, C>T on the plus strand (G>A on the coding strand, the complement: PAH is on the minus strand). VCF-style: chr12-102852888-C-T. GRCh37 (hg19) VCF-style: chr12-103246666-C-T.
Other names: NM_000277.2(PAH):c.769G>A; p.Gly257Ser; c.769G>A, p.Gly257Ser (NM_001354304.2); short protein forms G257S.
Identifiers: ClinVar variation 102827 (VCV000102827.1), dbSNP rs5030848, ClinGen allele CA229748.

ClinVar aggregate classification (germline): Likely pathogenic. Review status: reviewed by expert panel (3 of 4 stars). 2 submissions from 2 submitters: Likely pathogenic (1). 1 of the submissions does not count toward it. Last evaluated 2025-11-29.

Conditions:
Phenylketonuria (PKU). Also called: Phenylketonuria (PKU); FOLLING DISEASE; OLIGOPHRENIA PHENYLPYRUVICA; Phenylketonurias. Identifiers: Orphanet 716, MedGen C0031485, MONDO:0009861, OMIM 261600. Disease mechanism: loss of function.

Submissions (2):

ClinGen PAH Variant Curation Expert Panel
Classification: Likely pathogenic for Phenylketonuria. Last evaluated: 2025-11-29. Review status: reviewed by expert panel. Criteria: ClinGen PAH ACMG Specifications v1. Collection method: curation. Allele origin: germline. Inheritance: Autosomal recessive inheritance.
Comment: The c.769G>A variant in PAH is a missense variant predicted to cause substitution of Glycine by Serine at amino acid 257 (p.Gly257Ser). At least one patient with this variant displayed plasma Phenylalanine > 180 μmol/L, which is highly specific for PAH deficiency; BH4 deficiency was not reported to be ruled out (PP4, PMID: 10693064). This variant is absent from gnomAD v4.1 (PM2_Supporting). The computational predictor REVEL gives a SCORE of 0.847, which is between the threshold of 0.773 - 0.932, evidence that correlates with moderate impact to PAH function (PP3_moderate). Another missense variant c.770G>T, (p.Gly257Val) [ClinVar Variation ID102830] in the same codon has been classified as pathogenic for PAH deficiency by the ClinGen PAH VCEP (PM5). In summary, this variant meets the criteria to be classified as Likely pathogenic for PAH Deficiency based on the ACMG/AMP criteria applied, as specified by the ClinGen PAH VCEP: PP4, PM2_supporting, PP3_moderate, PM5. (PAH VCEP specifications version 2.0.0; 01/05/2025).

DeBelle Laboratory for Biochemical Genetics, MUHC/MCH RESEARCH INSTITUTE
No classification provided. Review status: no classification provided. Collection method: not provided. Allele origin: not provided. Not counted in ClinVar's aggregate classification.

Literature cited by the submitters: PubMed 10693064 (cited by ClinGen PAH Variant Curation Expert Panel).